The following is an entry in ClinVar:

NM_005548.3(KARS1):c.908A>G (p.Tyr303Cys)

Gene: KARS1 (lysyl-tRNA synthetase 1; minus strand). Cytogenetic location: 16q23.1.
Variant type: single nucleotide variant.
Coding change: c.908A>G on transcript NM_005548.3 (MANE Select); coding-DNA position 908, A replaced by G.
Protein change: p.Tyr303Cys; replaces tyrosine 303 with cysteine.
Molecular consequence: missense variant.
Genome position (GRCh38, 1-based): chr16:75,634,180, T>C on the plus strand (A>G on the coding strand, the complement: KARS1 is on the minus strand). VCF-style: chr16-75634180-T-C. GRCh37 (hg19) VCF-style: chr16-75668078-T-C.
Other names: c.992A>G, p.Tyr331Cys (NM_001130089.2); c.440A>G, p.Tyr147Cys (NM_001378148.1); short protein forms Y147C, Y303C, Y331C.
Identifiers: ClinVar variation 1682432 (VCV001682432.6), dbSNP rs2151804187, ClinGen allele CA396812361.
Genomic context (GRCh38, chr16:75,634,180, plus strand): 5'-GTATTCCAGCTTTCTGCTTCTTTAAGGGAAAAGGGTGTACTATTACTGACTACCTTATGA[T>C]AGAGTTCTGGAGCAATTCTCATATATAAGTTCATGTCCAGCTCGTTGTGATAAGTGATGA-3'
Protein context (NP_005539.1, residues 293-313): NLYMRIAPEL[Tyr303Cys]HKMLVVGGID

ClinVar aggregate classification (germline): Uncertain significance (1 of 4 stars; one submission).

gnomAD v4.1: 1 of 1,613,964 alleles (0.000062%); highest among the groups gnomAD compares: Non-Finnish European, 0.000085%; no homozygotes.

Submission:

Labcorp Genetics (formerly Invitae), Labcorp
Classification: Uncertain significance. Last evaluated: 2021-12-02. Review status: criteria provided, single submitter. Criteria: Invitae Variant Classification Sherloc (09022015). Collection method: clinical testing. Allele origin: germline.
Comment: This sequence change replaces tyrosine, which is neutral and polar, with cysteine, which is neutral and slightly polar, at codon 331 of the KARS protein (p.Tyr331Cys). This variant is not present in population databases (gnomAD no frequency). This variant has not been reported in the literature in individuals affected with KARS-related conditions. Algorithms developed to predict the effect of missense changes on protein structure and function (SIFT, PolyPhen-2, Align-GVGD) all suggest that this variant is likely to be disruptive. In summary, the available evidence is currently insufficient to determine the role of this variant in disease. Therefore, it has been classified as a Variant of Uncertain Significance.